The following is an entry in ClinVar:

NM_017763.6(RNF43):c.1806C>T (p.Asn602=)

Gene: RNF43 (ring finger protein 43; minus strand). Cytogenetic location: 17q22.
Variant type: single nucleotide variant.
Coding change: c.1806C>T on transcript NM_017763.6 (MANE Select); coding-DNA position 1806, C replaced by T.
Protein change: p.Asn602=; no amino-acid change (asparagine 602 retained).
Molecular consequence: synonymous variant.
Genome position (GRCh38, 1-based): chr17:58,357,970, G>A on the plus strand (C>T on the coding strand, the complement: RNF43 is on the minus strand). VCF-style: chr17-58357970-G-A. GRCh37 (hg19) VCF-style: chr17-56435331-G-A.
Other names: c.1806C>T, p.Asn602= (NM_001305544.3); c.1425C>T, p.Asn475= (NM_001305545.2).
Identifiers: ClinVar variation 1128605 (VCV001128605.11), dbSNP rs1025776873, ClinGen allele CA292030633.
Genomic context (GRCh38, chr17:58,357,970, plus strand): 5'-TGGCTCAGGGAGGGCCCTGGGGCACTGTGGGTTAGAGAGCCGCCCCGAAGGGGCTGCTGA[G>A]TTGGATCTGGTGACTTGCTGATCAGGAGAAGGTGGCTCTGGCTGGGGCTGTGTCCGAGGA-3'
Protein context (NP_060233.3, residues 592-612): PSPDQQVTRS[Asn602=]SAAPSGRLSN

ClinVar aggregate classification (germline): Benign/Likely benign. Review status: criteria provided, multiple submitters, no conflicts (2 of 4 stars). 3 submissions from 3 submitters: Benign (1); Likely benign (2). Last evaluated 2026-07-02.

Conditions:
Sessile serrated polyposis cancer syndrome (SSPCS). Identifiers: Orphanet 157798, MedGen C4310714, MONDO:0014919, OMIM 617108.

Allele frequency attached by ClinVar (database versions not stated): gnomAD 0.00002; gnomAD exomes 0.00001 and below 0.00001; TOPMed 0.00002.
gnomAD v4.1: 13 of 1,610,166 alleles (0.00081%); highest among the groups gnomAD compares: African/African-American, 0.0054%; no homozygotes.

Submissions (3):

Myriad Genetics, Inc.
Classification: Benign for Sessile serrated polyposis cancer syndrome. Last evaluated: 2026-07-02. Review status: criteria provided, single submitter. Criteria: Myriad Autosomal Dominant, Autosomal Recessive and X-Linked Classification Criteria (2023). Collection method: clinical testing. Allele origin: unknown.
Comment: This variant is considered benign. This variant is a silent/synonymous amino acid change and it is not expected to impact splicing.

Ambry Genetics
Classification: Likely benign. Last evaluated: 2025-01-06. Review status: criteria provided, single submitter. Criteria: Ambry Variant Classification Scheme 2023. Collection method: clinical testing. Allele origin: germline.

Labcorp Genetics (formerly Invitae), Labcorp
Classification: Likely benign. Last evaluated: 2020-09-17. Review status: criteria provided, single submitter. Criteria: Invitae Variant Classification Sherloc (09022015). Collection method: clinical testing. Allele origin: germline.